The following is an entry in ClinVar:

ClinVar aggregate classification (germline): Uncertain significance (1 of 4 stars; one submission).

Submission:

GeneDx
Classification: Uncertain significance. Last evaluated: 2025-12-15. Review status: criteria provided, single submitter. Criteria: GeneDx Variant Classification Process June 2021. Collection method: clinical testing. Allele origin: germline.
Comment: Not observed at significant frequency in large population cohorts (gnomAD); In silico analysis supports that this missense variant has a deleterious effect on protein structure/function; Has not been previously published as pathogenic or benign to our knowledge

NM_018896.5(CACNA1G):c.5666C>T (p.Pro1889Leu)

Gene: CACNA1G (calcium voltage-gated channel subunit alpha1 G; plus strand). Cytogenetic location: 17q21.33.
Variant type: single nucleotide variant.
Coding change: c.5666C>T on transcript NM_018896.5 (MANE Select); coding-DNA position 5666, C replaced by T.
Protein change: p.Pro1889Leu; replaces proline 1889 with leucine.
Molecular consequence: missense variant. On other transcripts: non-coding transcript variant (5).
Genome position (GRCh38, 1-based): chr17:50,618,893, C>T. VCF-style: chr17-50618893-C-T. GRCh37 (hg19) VCF-style: chr17-48696254-C-T.
Other names: c.5612C>T, p.Pro1871Leu (NM_001256324.2, NM_198386.3); c.5687C>T, p.Pro1896Leu (NM_001256325.2); c.5531C>T, p.Pro1844Leu (NM_001256326.2, NM_001256330.2); c.5645C>T, p.Pro1882Leu (NM_001256327.2); c.5591C>T, p.Pro1864Leu (NM_001256328.2); c.5564C>T, p.Pro1855Leu (NM_001256329.2, NM_198376.3, NM_198379.3 and 2 more transcripts); c.5510C>T, p.Pro1837Leu (NM_001256331.2); c.5495C>T, p.Pro1832Leu (NM_001256332.2); and 7 more; short protein forms P1832L, P1837L, P1844L, P1848L, P1851L, P1853L, P1855L, P1862L.
Identifiers: ClinVar variation 3360554 (VCV003360554.2).